The following is an entry in ClinVar:

NM_001371596.2(MFSD8):c.145A>G (p.Ser49Gly)

Gene: MFSD8 (major facilitator superfamily domain containing 8; minus strand). Cytogenetic location: 4q28.2.
Variant type: single nucleotide variant.
Coding change: c.145A>G on transcript NM_001371596.2 (MANE Select); coding-DNA position 145, A replaced by G.
Protein change: p.Ser49Gly; replaces serine 49 with glycine.
Molecular consequence: missense variant.
Genome position (GRCh38, 1-based): chr4:127,957,510, T>C on the plus strand (A>G on the coding strand, the complement: MFSD8 is on the minus strand). VCF-style: chr4-127957510-T-C. GRCh37 (hg19) VCF-style: chr4-128878665-T-C.
Other names: c.145A>G, p.Ser49Gly (NM_001363520.3, NM_001363521.3, NM_001371591.2 and 5 more transcripts); c.10A>G, p.Ser4Gly (NM_001371590.2, NM_001371595.1, NM_001410765.1); short protein forms S4G, S49G.
Identifiers: ClinVar variation 2130897 (VCV002130897.4), dbSNP rs2546240551, ClinGen allele CA358164985.
Genomic context (GRCh38, chr4:127,957,510, plus strand): 5'-AAATATGACATCTGATCTGAATTGTTAAAATTATGTATTTCTAATACTTACCTACACTGC[T>C]GAGAAACATAGTAAGATATAAAATCCTAATAGATCTCCATCGGCTCTTATAATGCTCTTC-3'
Protein context (NP_001358525.1, residues 39-59): IRILYLTMFL[Ser49Gly]SVGFSVVMMS

ClinVar aggregate classification (germline): Uncertain significance (1 of 4 stars; one submission).

Conditions:
Neuronal ceroid lipofuscinosis 7 (CLN7). Also called: MFSD8-Related Neuronal Ceroid-Lipofuscinosis. Identifiers: Orphanet 168491, Orphanet 228366, MedGen C1838571, MONDO:0012588, OMIM 610951.

Submission:

Labcorp Genetics (formerly Invitae), Labcorp
Classification: Uncertain significance for Neuronal ceroid lipofuscinosis 7. Last evaluated: 2022-04-26. Review status: criteria provided, single submitter. Criteria: Invitae Variant Classification Sherloc (09022015). Collection method: clinical testing. Allele origin: germline.
Comment: In summary, the available evidence is currently insufficient to determine the role of this variant in disease. Therefore, it has been classified as a Variant of Uncertain Significance. Algorithms developed to predict the effect of missense changes on protein structure and function (SIFT, PolyPhen-2, Align-GVGD) all suggest that this variant is likely to be tolerated. This variant has not been reported in the literature in individuals affected with MFSD8-related conditions. This variant is not present in population databases (gnomAD no frequency). This sequence change replaces serine, which is neutral and polar, with glycine, which is neutral and non-polar, at codon 49 of the MFSD8 protein (p.Ser49Gly).